The following is an entry in ClinVar:

ClinVar aggregate classification (germline): Uncertain significance (1 of 4 stars; one submission).

Conditions:
Cardiovascular phenotype. Identifiers: MedGen CN230736.

gnomAD v4.1: 2 of 1,614,218 alleles (0.00012%); highest among the groups gnomAD compares: Non-Finnish European, 0.00017%; no homozygotes.

Submission:

Ambry Genetics
Classification: Uncertain significance for Cardiovascular phenotype. Last evaluated: 2026-01-24. Review status: criteria provided, single submitter. Criteria: Ambry Variant Classification Scheme 2023. Collection method: clinical testing. Allele origin: germline.
Comment: The p.T667I variant (also known as c.2000C>T), located in coding exon 15 of the MYH6 gene, results from a C to T substitution at nucleotide position 2000. The threonine at codon 667 is replaced by isoleucine, an amino acid with similar properties. This amino acid position is conserved. In addition, this alteration is predicted to be deleterious by in silico analysis. Based on the available evidence, the clinical significance of this variant remains unclear.

NM_002471.4(MYH6):c.2000C>T (p.Thr667Ile)

Gene: MYH6 (myosin heavy chain 6; minus strand). Cytogenetic location: 14q11.2.
Variant type: single nucleotide variant.
Coding change: c.2000C>T on transcript NM_002471.4 (MANE Select); coding-DNA position 2000, C replaced by T.
Protein change: p.Thr667Ile; replaces threonine 667 with isoleucine.
Molecular consequence: missense variant.
Genome position (GRCh38, 1-based): chr14:23,397,220, G>A on the plus strand (C>T on the coding strand, the complement: MYH6 is on the minus strand). VCF-style: chr14-23397220-G-A. GRCh37 (hg19) VCF-style: chr14-23866429-G-A.
Other names: short protein forms T667I.
Identifiers: ClinVar variation 4825130 (VCV004825130.1).